The following is an entry in ClinVar:

ClinVar aggregate classification (germline): Uncertain significance (1 of 4 stars; one submission).

Conditions:
Inborn genetic diseases. Identifiers: MedGen C0950123, MeSH D030342.

Allele frequency attached by ClinVar (database versions not stated): gnomAD exomes below 0.00001.
gnomAD v4.1: 1 of 1,612,086 alleles (0.000062%); highest among the groups gnomAD compares: Non-Finnish European, 0.000085%; no homozygotes.

Submission:

Ambry Genetics
Classification: Uncertain significance for Inborn genetic diseases. Last evaluated: 2021-12-05. Review status: criteria provided, single submitter. Criteria: Ambry Variant Classification Scheme 2023. Collection method: clinical testing. Allele origin: germline.
Comment: The p.D694N variant (also known as c.2080G>A), located in coding exon 10 of the ATR gene, results from a G to A substitution at nucleotide position 2080. The aspartic acid at codon 694 is replaced by asparagine, an amino acid with highly similar properties. This amino acid position is conserved. In addition, this alteration is predicted to be tolerated by in silico analysis. Since supporting evidence is limited at this time, the clinical significance of this alteration remains unclear.

NM_001184.4(ATR):c.2080G>A (p.Asp694Asn)

Gene: ATR (ATR checkpoint kinase; minus strand). Cytogenetic location: 3q23.
Variant type: single nucleotide variant.
Coding change: c.2080G>A on transcript NM_001184.4 (MANE Select); coding-DNA position 2080, G replaced by A.
Protein change: p.Asp694Asn; replaces aspartic acid 694 with asparagine.
Molecular consequence: missense variant.
Genome position (GRCh38, 1-based): chr3:142,556,138, C>T on the plus strand (G>A on the coding strand, the complement: ATR is on the minus strand). VCF-style: chr3-142556138-C-T. GRCh37 (hg19) VCF-style: chr3-142274980-C-T.
Other names: c.1888G>A, p.Asp630Asn (NM_001354579.2); short protein forms D630N, D694N.
Identifiers: ClinVar variation 1785557 (VCV001785557.2), dbSNP rs1212603214, ClinGen allele CA354819046.
Genomic context (GRCh38, chr3:142,556,138, plus strand): 5'-GTTGACCAAGTATAGAAGCAAATTCTTTCTTGACAATGTCAGAATCATCTTTGACTTTAT[C>T]TCTGGGGAAAAAAAAGAAAAAGTACTAAACTTTCTTGCCTAATTTTGTGGTCTAAATAGT-3'
Protein context (NP_001175.2, residues 684-704): SCNRVPKILI[Asp694Asn]KVKDDSDIVK